The following is an entry in ClinVar:

ClinVar aggregate classification (germline): Uncertain significance (1 of 4 stars; one submission).

Conditions:
Cardiovascular phenotype. Identifiers: MedGen CN230736.
Hereditary cancer-predisposing syndrome. Also called: Hereditary Cancer Syndrome; Neoplastic Syndromes, Hereditary; Tumor predisposition; Hereditary neoplastic syndrome. Identifiers: Orphanet 140162, MedGen C0027672, MeSH D009386, MONDO:0015356.

Allele frequency attached by ClinVar (database versions not stated): TOPMed below 0.00001.

Submission:

Ambry Genetics
Classification: Uncertain significance for Cardiovascular phenotype; Hereditary cancer-predisposing syndrome. Last evaluated: 2021-09-23. Review status: criteria provided, single submitter. Criteria: Ambry Variant Classification Scheme 2023. Collection method: clinical testing. Allele origin: germline.
Comment: The p.G18C variant (also known as c.52G>T), located in coding exon 1 of the LZTR1 gene, results from a G to T substitution at nucleotide position 52. The glycine at codon 18 is replaced by cysteine, an amino acid with highly dissimilar properties. This amino acid position is well conserved in available vertebrate species. In addition, this alteration is predicted to be tolerated by in silico analysis. Since supporting evidence is limited at this time, the clinical significance of this alteration remains unclear.

NM_006767.4(LZTR1):c.52G>T (p.Gly18Cys)

Genes: LZTR1 (leucine zipper like post translational regulator 1; plus strand), LOC130067016 (ATAC-STARR-seq lymphoblastoid silent region 13504; plus strand). Cytogenetic location: 22q11.21.
Variant type: single nucleotide variant.
Coding change: c.52G>T on transcript NM_006767.4 (MANE Select); coding-DNA position 52, G replaced by T.
Protein change: p.Gly18Cys; replaces glycine 18 with cysteine.
Molecular consequence: missense variant.
Genome position (GRCh38, 1-based): chr22:20,982,423, G>T. VCF-style: chr22-20982423-G-T. GRCh37 (hg19) VCF-style: chr22-21336712-G-T.
Other names: short protein forms G18C.
Identifiers: ClinVar variation 1746697 (VCV001746697.2), dbSNP rs1349667735, ClinGen allele CA410777545.
Genomic context (GRCh38, chr22:20,982,423, plus strand): 5'-GGACCCGGGATGGCTGGACCGGGCAGCACGGGGGGGCAGATCGGGGCTGCGGCCCTGGCA[G>T]GCGGCGCGCGGTCCAAGGTAGCCCCGAGCGTGGACTTCGACCATAGCTGCTCGGACAGTG-3'
Protein context (NP_006758.2, residues 8-28): GGQIGAAALA[Gly18Cys]GARSKVAPSV